The following is an entry in ClinVar:

NM_000257.4(MYH7):c.2618T>C (p.Leu873Pro)

Genes: MYH7 (myosin heavy chain 7; minus strand), LOC126861898 (BRD4-independent group 4 enhancer GRCh37_chr14:23893609-23894808; plus strand). Cytogenetic location: 14q11.2.
Variant type: single nucleotide variant.
Coding change: c.2618T>C on transcript NM_000257.4 (MANE Select); coding-DNA position 2618, T replaced by C.
Protein change: p.Leu873Pro; replaces leucine 873 with proline.
Molecular consequence: missense variant.
Genome position (GRCh38, 1-based): chr14:23,424,830, A>G on the plus strand (T>C on the coding strand, the complement: MYH7 is on the minus strand). VCF-style: chr14-23424830-A-G. GRCh37 (hg19) VCF-style: chr14-23894039-A-G.
Other names: c.2618T>C (LRG_384t1); short protein forms L873P.
Identifiers: ClinVar variation 520274 (VCV000520274.15), dbSNP rs1555337701, ClinGen allele CA389047990.
Genomic context (GRCh38, chr14:23,424,830, plus strand): 5'-GCCTGCACTTGGAGCTGCAGGTCATTCTTCTCCTGCAGCAGGGACACCATCTTCTCCTCC[A>G]GCTCCTTGCGGCGAGCCTCGGACTTCTCTAGCGCCTCTTTGAGGCGTGTGAACTCCTCCT-3'
Protein context (NP_000248.2, residues 863-883): LEKSEARRKE[Leu873Pro]EEKMVSLLQE

ClinVar aggregate classification (germline): Pathogenic/Likely pathogenic. Review status: criteria provided, multiple submitters, no conflicts (2 of 4 stars). 2 submissions from 2 submitters: Pathogenic (1); Likely pathogenic (1). Last evaluated 2025-02-24.

Conditions:
Hypertrophic cardiomyopathy. Also called: HYPERTROPHIC MYOCARDIOPATHY. Identifiers: Orphanet 217569, MedGen C0007194, MeSH D002312, MONDO:0005045, HP:0001639.
Cardiovascular phenotype. Identifiers: MedGen CN230736.

Submissions (2):

Ambry Genetics
Classification: Likely pathogenic for Cardiovascular phenotype. Last evaluated: 2025-02-24. Review status: criteria provided, single submitter. Criteria: Ambry Variant Classification Scheme 2023. Collection method: clinical testing. Allele origin: germline.
Comment: The p.L873P variant (also known as c.2618T>C), located in coding exon 20 of the MYH7 gene, results from a T to C substitution at nucleotide position 2618. The leucine at codon 873 is replaced by proline, an amino acid with similar properties. This alteration is located in the myosin head domain, which contains a statistically significant clustering of pathogenic missense variants (Homburger JR et al. Proc Natl Acad Sci U S A, 2016 06;113:6701-6; Walsh R et al. Genet Med, 2017 02;19:192-203; Ambry internal data). This variant was reported in individual(s) with features consistent with hypertrophic cardiomyopathy (HCM) (Marsiglia JD et al. Am Heart J, 2013 Oct;166:775-82; Ambry internal data). This variant is considered to be rare based on population cohorts in the Genome Aggregation Database (gnomAD). This amino acid position is highly conserved in available vertebrate species. In addition, this alteration is predicted to be deleterious by in silico analysis. Based on the majority of available evidence to date, this variant is likely to be pathogenic.

Labcorp Genetics (formerly Invitae), Labcorp
Classification: Pathogenic for Hypertrophic cardiomyopathy. Last evaluated: 2020-04-30. Review status: criteria provided, single submitter. Criteria: Invitae Variant Classification Sherloc (09022015). Collection method: clinical testing. Allele origin: germline.
Comment: This variant has been observed in individual(s) with hypertrophic cardiomyopathy (PMID: 24093860, Invitae). In at least one individual the variant was observed to be de novo. ClinVar contains an entry for this variant (Variation ID: 520274). Algorithms developed to predict the effect of missense changes on protein structure and function (SIFT, PolyPhen-2, Align-GVGD) all suggest that this variant is likely to be disruptive, but these predictions have not been confirmed by published functional studies and their clinical significance is uncertain. This variant is found within a region of MYH7 between codons 181 and 937 that contains the majority of the myosin head domain. Missense variants in this region have been shown to be significantly overrepresented in individuals with hypertrophic cardiomyopathy (PMID: 27532257). For these reasons, this variant has been classified as Pathogenic. This sequence change replaces leucine with proline at codon 873 of the MYH7 protein (p.Leu873Pro). The leucine residue is highly conserved and there is a moderate physicochemical difference between leucine and proline. This variant is not present in population databases (ExAC no frequency).

Literature cited by the submitters: PubMed 24093860 (cited by Ambry Genetics and Labcorp Genetics (formerly Invitae), Labcorp); PubMed 27532257 (cited by Labcorp Genetics (formerly Invitae), Labcorp).